The following is an entry in ClinVar:

ClinVar aggregate classification (germline): Uncertain significance. Review status: criteria provided, multiple submitters, no conflicts (2 of 4 stars). 2 submissions from 2 submitters: Uncertain significance (2). Last evaluated 2025-05-21.

Conditions:
RYR1-related disorder. Also called: RYR1-related condition; RYR1-related disorders. Identifiers: MedGen CN239331.
Malignant hyperthermia, susceptibility to, 1 (MHS1). Also called: Anesthesia related hyperthermia; Malignant hyperpyrexia; Fulminating hyperpyrexia; Pharmacogenic myopathy; RYR1-Related Malignant Hyperthermia Susceptibility; Malignant hyperthermia suceptibility 1. Identifiers: Orphanet 423, MedGen C2930980, MONDO:0007783, OMIM 145600.

gnomAD v4.1: 8 of 1,614,122 alleles (0.0005%); highest among the groups gnomAD compares: Non-Finnish European, 0.00059%; no homozygotes.

Submissions (2):

Color Diagnostics, LLC DBA Color Health
Classification: Uncertain significance for Malignant hyperthermia, susceptibility to, 1. Last evaluated: 2025-05-21. Review status: criteria provided, single submitter. Criteria: ACMG Guidelines, 2015. Collection method: clinical testing. Allele origin: germline.
Comment: This missense variant replaces histidine with leucine at codon 811 of the RYR1 protein. Computational prediction suggests that this variant may not impact protein structure and function. To our knowledge, functional studies have not been reported for this variant. This variant has not been reported in individuals affected with RYR1-related disorders in the literature. This variant has not been identified in the general population by the Genome Aggregation Database (gnomAD). The available evidence is insufficient to determine the role of this variant in disease conclusively. Therefore, this variant is classified as a Variant of Uncertain Significance.

Labcorp Genetics (formerly Invitae), Labcorp
Classification: Uncertain significance for RYR1-related disorder. Last evaluated: 2024-05-14. Review status: criteria provided, single submitter. Criteria: Invitae Variant Classification Sherloc (09022015). Collection method: clinical testing. Allele origin: germline.
Comment: This sequence change replaces histidine, which is basic and polar, with leucine, which is neutral and non-polar, at codon 811 of the RYR1 protein (p.His811Leu). This variant is not present in population databases (gnomAD no frequency). This variant has not been reported in the literature in individuals affected with RYR1-related conditions. Advanced modeling of protein sequence and biophysical properties (such as structural, functional, and spatial information, amino acid conservation, physicochemical variation, residue mobility, and thermodynamic stability) performed at Invitae indicates that this missense variant is not expected to disrupt RYR1 protein function with a negative predictive value of 95%. In summary, the available evidence is currently insufficient to determine the role of this variant in disease. Therefore, it has been classified as a Variant of Uncertain Significance.

NM_000540.3(RYR1):c.2432A>T (p.His811Leu)

Gene: RYR1 (ryanodine receptor 1; plus strand). Cytogenetic location: 19q13.2.
Variant type: single nucleotide variant.
Coding change: c.2432A>T on transcript NM_000540.3 (MANE Select); coding-DNA position 2432, A replaced by T.
Protein change: p.His811Leu; replaces histidine 811 with leucine.
Molecular consequence: missense variant.
Genome position (GRCh38, 1-based): chr19:38,460,446, A>T. VCF-style: chr19-38460446-A-T. GRCh37 (hg19) VCF-style: chr19-38951086-A-T.
Other names: c.2432A>T, p.His811Leu (NM_001042723.2); short protein forms H811L.
Identifiers: ClinVar variation 3719245 (VCV003719245.3).
Genomic context (GRCh38, chr19:38,460,446, plus strand): 5'-TCCTTGGTGGCCGCCATGGTGAATTCAAGTTCCTGCCCCCACCTGGCTATGCTCCATGCC[A>T]TGAGGCTGTGCTCCCTCGAGAGCGACTCCATCTTGAACCCATCAAGGAGTATCGACGGGA-3'
Protein context (NP_000531.2, residues 801-821): FLPPPGYAPC[His811Leu]EAVLPRERLH